The following is an entry in ClinVar:

NM_001040142.2(SCN2A):c.2638G>A (p.Ala880Thr)

Gene: SCN2A (sodium voltage-gated channel alpha subunit 2; plus strand). Cytogenetic location: 2q24.3.
Variant type: single nucleotide variant.
Coding change: c.2638G>A on transcript NM_001040142.2 (MANE Select); coding-DNA position 2638, G replaced by A.
Protein change: p.Ala880Thr; replaces alanine 880 with threonine.
Molecular consequence: missense variant.
Genome position (GRCh38, 1-based): chr2:165,344,630, G>A. VCF-style: chr2-165344630-G-A. GRCh37 (hg19) VCF-style: chr2-166201140-G-A.
Other names: c.2638G>A, p.Ala880Thr (NM_001040143.2, NM_001371246.1, NM_001371247.1 and 1 more transcripts); c.2638G>A (NM_021007.2); short protein forms A880T.
Identifiers: ClinVar variation 689785 (VCV000689785.4), dbSNP rs1574641522, ClinGen allele CA349013428.

ClinVar aggregate classification (germline): Pathogenic/Likely pathogenic. Review status: criteria provided, multiple submitters, no conflicts (2 of 4 stars). 4 submissions from 4 submitters: Pathogenic (2); Likely pathogenic (2). Last evaluated 2026-03-21.

Conditions:
Developmental and epileptic encephalopathy, 11 (DEE11). Also called: Early infantile epileptic encephalopathy 11. Identifiers: Orphanet 1934, MedGen C3150987, MONDO:0013388, OMIM 613721.
Seizures, benign familial infantile, 3 (BFIS3). Also called: Familial neonatal seizures; CONVULSIONS, BENIGN FAMILIAL INFANTILE, 3. Identifiers: Orphanet 140927, Orphanet 306, MedGen C1843140, MONDO:0011904, OMIM 607745.

Submissions (4):

GeneDx
Classification: Pathogenic. Last evaluated: 2026-03-21. Review status: criteria provided, single submitter. Criteria: GeneDx Variant Classification Process June 2021. Collection method: clinical testing. Allele origin: germline.
Comment: Not observed at significant frequency in large population cohorts (gnomAD); In silico analysis supports that this missense variant has a deleterious effect on protein structure/function; This substitution is predicted to be within the transmembrane segment S5 of the second homologous domain; This variant is associated with the following publications: (PMID: 31216405, 38081334)

Mendelics
Classification: Pathogenic for Seizures, benign familial infantile, 3. Last evaluated: 2022-05-04. Review status: criteria provided, single submitter. Criteria: Mendelics Assertion Criteria 2019. Collection method: clinical testing. Allele origin: germline.

Baylor Genetics
Classification: Likely pathogenic for Developmental and epileptic encephalopathy, 11; Seizures, benign familial infantile, 3. Last evaluated: 2017-12-31. Review status: criteria provided, single submitter. Criteria: ACMG Guidelines, 2015. Collection method: clinical testing. Allele origin: germline. Affected: yes.

Pediatric Department, Xiangya Hospital, Central South University
Classification: Likely pathogenic for Developmental and epileptic encephalopathy 11. Review status: criteria provided, single submitter. Criteria: ACMG Guidelines, 2015. Collection method: research. Allele origin: de novo. Affected: yes.